The following is an entry in ClinVar:

ClinVar aggregate classification (germline): Uncertain significance (1 of 4 stars; one submission).

Conditions:
Combined immunodeficiency due to DOCK8 deficiency (HIES2). Also called: Hyper-IgE recurrent infection syndrome, autosomal recessive; HYPER-IgE RECURRENT INFECTION SYNDROME 2, AUTOSOMAL RECESSIVE; HIES autosomal recessive; HYPER-IgE SYNDROME 2, AUTOSOMAL RECESSIVE, WITH RECURRENT INFECTIONS; DOCK8 Deficiency. Identifiers: Orphanet 217390, MedGen C4722305, MONDO:0009478, OMIM 243700.

Submission:

Labcorp Genetics (formerly Invitae), Labcorp
Classification: Uncertain significance for Combined immunodeficiency due to DOCK8 deficiency. Last evaluated: 2024-05-08. Review status: criteria provided, single submitter. Criteria: Invitae Variant Classification Sherloc (09022015). Collection method: clinical testing. Allele origin: germline.
Comment: This sequence change replaces histidine, which is basic and polar, with arginine, which is basic and polar, at codon 961 of the DOCK8 protein (p.His961Arg). This variant is not present in population databases (gnomAD no frequency). This variant has not been reported in the literature in individuals affected with DOCK8-related conditions. Advanced modeling of protein sequence and biophysical properties (such as structural, functional, and spatial information, amino acid conservation, physicochemical variation, residue mobility, and thermodynamic stability) performed at Invitae indicates that this missense variant is expected to disrupt DOCK8 protein function with a positive predictive value of 80%. In summary, the available evidence is currently insufficient to determine the role of this variant in disease. Therefore, it has been classified as a Variant of Uncertain Significance.

NM_203447.4(DOCK8):c.2882A>G (p.His961Arg)

Gene: DOCK8 (dedicator of cytokinesis 8; plus strand). Cytogenetic location: 9p24.3.
Variant type: single nucleotide variant.
Coding change: c.2882A>G on transcript NM_203447.4 (MANE Select); coding-DNA position 2882, A replaced by G.
Protein change: p.His961Arg; replaces histidine 961 with arginine.
Molecular consequence: missense variant.
Genome position (GRCh38, 1-based): chr9:390,478, A>G. VCF-style: chr9-390478-A-G. GRCh37 (hg19) VCF-style: chr9-390478-A-G.
Other names: c.2582A>G, p.His861Arg (NM_001190458.2); c.2678A>G, p.His893Arg (NM_001193536.2); short protein forms H893R, H961R, H861R.
Identifiers: ClinVar variation 3679467 (VCV003679467.2).